The following is an entry in ClinVar:

NM_000540.3(RYR1):c.14173G>C (p.Val4725Leu)

Gene: RYR1 (ryanodine receptor 1; plus strand). Cytogenetic location: 19q13.2.
Variant type: single nucleotide variant.
Coding change: c.14173G>C on transcript NM_000540.3 (MANE Select); coding-DNA position 14173, G replaced by C.
Protein change: p.Val4725Leu; replaces valine 4725 with leucine.
Molecular consequence: missense variant.
Genome position (GRCh38, 1-based): chr19:38,577,918, G>C. VCF-style: chr19-38577918-G-C. GRCh37 (hg19) VCF-style: chr19-39068558-G-C.
Other names: NM_000540.3(RYR1):c.14173G>C; p.Val4725Leu; c.14158G>C, p.Val4720Leu (NM_001042723.2); short protein forms V4725L, V4720L.
Identifiers: ClinVar variation 571399 (VCV000571399.20), dbSNP rs1049117716, ClinGen allele CA308120058.

ClinVar aggregate classification (germline): Uncertain significance. Review status: reviewed by expert panel (3 of 4 stars). 6 submissions from 6 submitters: Uncertain significance (1). 5 of the submissions do not count toward it. Last evaluated 2024-08-27.

Conditions:
RYR1-related disorder. Also called: RYR1-related disorders; RYR1-related condition. Identifiers: MedGen CN239331.
Malignant hyperthermia, susceptibility to, 1 (MHS1). Also called: RYR1-Related Malignant Hyperthermia Susceptibility; Malignant hyperthermia suceptibility 1; Anesthesia related hyperthermia; Malignant hyperpyrexia; Fulminating hyperpyrexia; Pharmacogenic myopathy. Identifiers: Orphanet 423, MedGen C2930980, MONDO:0007783, OMIM 145600.
RYR1-related myopathy. Identifiers: Orphanet 98742, MedGen CN305348, MONDO:0100150.
Central core myopathy (CMYO1A). Also called: Central core disease; Myopathy, central fibrillar; CONGENITAL MYOPATHY 1A, AUTOSOMAL DOMINANT, WITH SUSCEPTIBILITY TO MALIGNANT HYPERTHERMIA. Identifiers: Orphanet 597, MedGen C5830701, MONDO:0007294, OMIM 117000.
Congenital multicore myopathy with external ophthalmoplegia (CMYO1B). Also called: Minicore myopathy with external ophthalmoplegia; MULTIMINICORE DISEASE WITH EXTERNAL OPHTHALMOPLEGIA; Congenital myopathy 1B, autosomal recessive; Minicore myopathy; MULTICORE MYOPATHY. Identifiers: Orphanet 598, Orphanet 98905, MedGen C1850674, MONDO:0009712, OMIM 255320, HP:0003789.
Congenital myopathy with fiber type disproportion. Also called: Congenital fiber-type disproportion myopathy; Congenital fiber-type disproportion. Identifiers: Orphanet 2020, MedGen C0546264, MONDO:0009711. Inheritance: all.

Allele frequency attached by ClinVar (database versions not stated): gnomAD exomes below 0.00001.
gnomAD v4.1: 1 of 1,614,064 alleles (0.000062%); highest among the groups gnomAD compares: Admixed American, 0.0017%; no homozygotes.

Submissions (6):

ClinGen Congenital Myopathies Variant Curation Expert Panel, ClinGen
Classification: Uncertain significance for RYR1-related myopathy. Last evaluated: 2024-08-27. Review status: reviewed by expert panel. Criteria: ClinGen CongenMyopathy ACMG Specifications RYR1 AD V2.0.0. Collection method: curation. Allele origin: germline. Inheritance: Autosomal dominant inheritance.
Comment: The c.14173G>C variant in RYR1 is a missense variant predicted to cause substitution of valine by leucine at amino acid 4725. The highest population minor allele frequency in gnomAD v4.1 is 0.00001667 (1/59980 alleles) in the Admixed American population, which is lower than the ClinGen Congenital Myopathies VCEP threshold (absent, 1 allele allowed) for PM2_Supporting, meeting this criterion (PM2_Supporting). The computational predictor REVEL gives a score of 0.661, which is neither above nor below the thresholds predicting a damaging or benign impact on RYR1 function. In summary, the variant meets the criteria to be classified as uncertain significance for RYR1-related myopathy based on the ACMG/AMP criteria applied, as specified by the ClinGen Congenital Myopathies VCEP: PM2_Supporting (ClinGen Congenital Myopathies VCEP specifications version 2; 08/27/2024).

Labcorp Genetics (formerly Invitae), Labcorp
Classification: Uncertain significance for RYR1-related disorder. Last evaluated: 2024-07-05. Review status: criteria provided, single submitter. Criteria: Invitae Variant Classification Sherloc (09022015). Collection method: clinical testing. Allele origin: germline. Not counted in ClinVar's aggregate classification.
Comment: This sequence change replaces valine, which is neutral and non-polar, with leucine, which is neutral and non-polar, at codon 4725 of the RYR1 protein (p.Val4725Leu). This variant is not present in population databases (gnomAD no frequency). This missense change has been observed in individual(s) with clinical features of autosomal recessive RYR1-related conditions (Invitae). In at least one individual the data is consistent with being in trans (on the opposite chromosome) from a pathogenic variant. ClinVar contains an entry for this variant (Variation ID: 571399). Experimental studies and prediction algorithms are not available or were not evaluated, and the functional significance of this variant is currently unknown. In summary, the available evidence is currently insufficient to determine the role of this variant in disease. Therefore, it has been classified as a Variant of Uncertain Significance.

All of Us Research Program, National Institutes of Health
Classification: Uncertain significance for Malignant hyperthermia, susceptibility to, 1. Last evaluated: 2024-05-14. Review status: criteria provided, single submitter. Criteria: ACMG Guidelines, 2015. Collection method: clinical testing. Allele origin: germline. Inheritance: Autosomal dominant inheritance. Observed: 3 variant alleles, 3 heterozygotes. Not counted in ClinVar's aggregate classification.
Comment: This missense variant replaces valine with leucine at codon 4725 of the RYR1 protein. Computational prediction is inconclusive regarding the impact of this variant on protein structure and function (internally defined REVEL score threshold 0.5 < inconclusive < 0.7, PMID: 27666373). To our knowledge, functional studies have not been reported for this variant. This variant has not been reported in individuals affected with RYR1-related disorders in the literature. This variant has not been identified in the general population by the Genome Aggregation Database (gnomAD). The available evidence is insufficient to determine the role of this variant in disease conclusively. Therefore, this variant is classified as a Variant of Uncertain Significance.

This study involves interpretation of variants in research participants for the purpose of population health screening. Participant phenotype was not available at the time of variant classification. Additional details can be found in publication PMID: 35346344, PMCID: PMC8962531

Illumina Laboratory Services, Illumina
Classification: Uncertain significance for RYR1-related disorder. Last evaluated: 2022-01-05. Review status: criteria provided, single submitter. Criteria: ICSLVariantClassificationCriteria RUGD 01 April 2020. Collection method: clinical testing. Allele origin: unknown. Not counted in ClinVar's aggregate classification.
Comment: The RYR1 c.14173G>C (p.Val4725Leu) missense variant results in the substitution of valine at amino acid position 4725 with leucine. To our knowledge, this variant has not been reported in the peer-reviewed literature. This variant is not found in version 2.1.1 or version 3.1.2 of the Genome Aggregation Database. Based on the available evidence, the c.14173G>C (p.Val4725Leu) variant is classified as a variant of uncertain significance for RYR1-related disorders.

Revvity Omics, Revvity
Classification: Uncertain significance. Last evaluated: 2021-10-05. Review status: criteria provided, single submitter. Criteria: ACMG Guidelines, 2015. Collection method: clinical testing. Allele origin: germline. Not counted in ClinVar's aggregate classification.

Fulgent Genetics
Classification: Uncertain significance for Central core myopathy; Malignant hyperthermia, susceptibility to, 1; Congenital myopathy 4A, autosomal dominant; Congenital multicore myopathy with external ophthalmoplegia. Last evaluated: 2018-10-31. Review status: criteria provided, single submitter. Criteria: ACMG Guidelines, 2015. Collection method: clinical testing. Allele origin: unknown. Not counted in ClinVar's aggregate classification.